The following is an entry in ClinVar:

ClinVar aggregate classification (germline): Likely benign (0 of 4 stars; one submission).

Conditions:
PKD1-related disorder. Also called: PKD1-related condition.

Allele frequency attached by ClinVar (database versions not stated): gnomAD exomes below 0.00001.
gnomAD v4.1: 2 of 1,514,814 alleles (0.00013%); highest among the groups gnomAD compares: Non-Finnish European, 0.00018%; no homozygotes.

Submission:

PreventionGenetics, part of Exact Sciences
Classification: Likely benign for PKD1-related condition. Last evaluated: 2022-07-26. Review status: no assertion criteria provided. Collection method: clinical testing. Allele origin: germline.
Comment: This variant is classified as likely benign based on ACMG/AMP sequence variant interpretation guidelines (Richards et al. 2015 PMID: 25741868, with internal and published modifications).

NM_001009944.3(PKD1):c.11814G>A (p.Arg3938=)

Gene: PKD1 (polycystin 1, transient receptor potential channel interacting; minus strand). Cytogenetic location: 16p13.3.
Variant type: single nucleotide variant.
Coding change: c.11814G>A on transcript NM_001009944.3 (MANE Select); coding-DNA position 11814, G replaced by A.
Protein change: p.Arg3938=; no amino-acid change (arginine 3938 retained).
Molecular consequence: synonymous variant.
Genome position (GRCh38, 1-based): chr16:2,091,073, C>T on the plus strand (G>A on the coding strand, the complement: PKD1 is on the minus strand). VCF-style: chr16-2091073-C-T. GRCh37 (hg19) VCF-style: chr16-2141074-C-T.
Other names: c.11811G>A, p.Arg3937= (NM_000296.4).
Identifiers: ClinVar variation 3054185 (VCV003054185.2), dbSNP rs2544599251, ClinGen allele CA493044639.